The following is an entry in ClinVar:

ClinVar aggregate classification (germline): Uncertain significance (1 of 4 stars; one submission).

Conditions:
Glycogen storage disease, type V (GSD5). Also called: McArdle type glycogen storage disease; MCARDLE DISEASE; MUSCLE GLYCOGEN PHOSPHORYLASE DEFICIENCY; MYOPHOSPHORYLASE DEFICIENCY; PYGM DEFICIENCY. Identifiers: Orphanet 368, MedGen C0017924, MONDO:0009293, OMIM 232600.

Allele frequency attached by ClinVar (database versions not stated): TOPMed below 0.00001; gnomAD 0.00001.
gnomAD v4.1: 1 of 1,599,562 alleles (0.000063%); highest among the groups gnomAD compares: Non-Finnish European, 0.000085%; no homozygotes.

Submission:

Labcorp Genetics (formerly Invitae), Labcorp
Classification: Uncertain significance for Glycogen storage disease, type V. Last evaluated: 2022-06-30. Review status: criteria provided, single submitter. Criteria: Invitae Variant Classification Sherloc (09022015). Collection method: clinical testing. Allele origin: germline.
Comment: This sequence change replaces alanine, which is neutral and non-polar, with threonine, which is neutral and polar, at codon 457 of the PYGM protein (p.Ala457Thr). This variant is not present in population databases (gnomAD no frequency). This variant has not been reported in the literature in individuals affected with PYGM-related conditions. Algorithms developed to predict the effect of missense changes on protein structure and function are either unavailable or do not agree on the potential impact of this missense change (SIFT: "Not Available"; PolyPhen-2: "Possibly Damaging"; Align-GVGD: "Not Available"). In summary, the available evidence is currently insufficient to determine the role of this variant in disease. Therefore, it has been classified as a Variant of Uncertain Significance.

NM_005609.4(PYGM):c.1369G>A (p.Ala457Thr)

Gene: PYGM (glycogen phosphorylase, muscle associated; minus strand). Cytogenetic location: 11q13.1.
Variant type: single nucleotide variant.
Coding change: c.1369G>A on transcript NM_005609.4 (MANE Select); coding-DNA position 1369, G replaced by A.
Protein change: p.Ala457Thr; replaces alanine 457 with threonine.
Molecular consequence: missense variant.
Genome position (GRCh38, 1-based): chr11:64,753,553, C>T on the plus strand (G>A on the coding strand, the complement: PYGM is on the minus strand). VCF-style: chr11-64753553-C-T. GRCh37 (hg19) VCF-style: chr11-64521025-C-T.
Other names: c.1105G>A, p.Ala369Thr (NM_001164716.1); short protein forms A457T, A369T.
Identifiers: ClinVar variation 1984097 (VCV001984097.1), dbSNP rs2058371309, ClinGen allele CA381175732.